The following is an entry in ClinVar:

NM_000391.4(TPP1):c.262_270delinsAT (p.Leu88fs)

Gene: TPP1 (tripeptidyl peptidase 1; minus strand). Cytogenetic location: 11p15.4.
Variant type: Indel.
Coding change: c.262_270delinsAT on transcript NM_000391.4 (MANE Select); coding-DNA positions 262 to 270, CTGGTGAGG replaced by AT.
Protein change: p.Leu88fs; shifts the reading frame from leucine 88.
Molecular consequence: frameshift variant.
Genome position (GRCh38, 1-based): chr11:6,617,736-6,617,744, CCTCACCAG replaced by AT on the plus strand (CTGGTGAGG replaced by AT on the coding strand, the reverse complement: TPP1 is on the minus strand). VCF-style: chr11-6617736-CCTCACCAG-AT. GRCh37 (hg19) VCF-style: chr11-6638967-CCTCACCAG-AT.
Other names: short protein forms L88fs.
Identifiers: ClinVar variation 1724964 (VCV001724964.2), dbSNP rs2493800491, ClinGen allele CA2580083973.

ClinVar aggregate classification (germline): Likely pathogenic (1 of 4 stars; one submission).

Conditions:
Neuronal ceroid lipofuscinosis 2. Also called: TPP1-Related Neuronal Ceroid-Lipofuscinosis; JANSKY-BIELSCHOWSKY DISEASE NEURONAL CEROID LIPOFUSCINOSIS, LATE INFANTILE. Identifiers: Orphanet 168491, Orphanet 228349, Orphanet 79264, MedGen C1876161, MONDO:0008769, OMIM 204500.

Submission:

Myriad Genetics, Inc.
Classification: Likely pathogenic for Neuronal ceroid lipofuscinosis 2. Last evaluated: 2022-03-03. Review status: criteria provided, single submitter. Criteria: Myriad Women's Health Autosomal Recessive and X-Linked Classification Criteria (2021). Collection method: clinical testing. Allele origin: unknown.
Comment: NM_000391.3(TPP1):c.262_270del9ins2(L88Ifs*5) is expected to be pathogenic in the context of TPP1-related neuronal ceroid lipofuscinosis. This variant is predicted to lead to an abnormal or absent protein product due to the creation of a premature termination codon in TPP1, a gene where loss-of-function variants are known to be pathogenic. Please note: this variant was assessed in the context of healthy population screening.